The following is an entry in ClinVar:

ClinVar aggregate classification (germline): Uncertain significance (1 of 4 stars; one submission).

Conditions:
Hereditary cancer-predisposing syndrome. Also called: Hereditary Cancer Syndrome; Hereditary neoplastic syndrome; Neoplastic Syndromes, Hereditary; Tumor predisposition. Identifiers: Orphanet 140162, MedGen C0027672, MeSH D009386, MONDO:0015356.

gnomAD v4.1: 2 of 1,598,758 alleles (0.00013%); highest among the groups gnomAD compares: Non-Finnish European, 0.00017%; no homozygotes.

Submission:

Ambry Genetics
Classification: Uncertain significance for Hereditary cancer-predisposing syndrome. Last evaluated: 2025-01-02. Review status: criteria provided, single submitter. Criteria: Ambry Variant Classification Scheme 2023. Collection method: clinical testing. Allele origin: germline.
Comment: The p.A49P variant (also known as c.145G>C), located in coding exon 1 of the TMEM127 gene, results from a G to C substitution at nucleotide position 145. The alanine at codon 49 is replaced by proline, an amino acid with highly similar properties. This amino acid position is highly conserved in available vertebrate species. In addition, this alteration is predicted to be deleterious by in silico analysis. Based on the available evidence, the clinical significance of this variant remains unclear.

NM_017849.4(TMEM127):c.145G>C (p.Ala49Pro)

Gene: TMEM127 (transmembrane protein 127; minus strand). Cytogenetic location: 2q11.2.
Variant type: single nucleotide variant.
Coding change: c.145G>C on transcript NM_017849.4 (MANE Select); coding-DNA position 145, G replaced by C.
Protein change: p.Ala49Pro; replaces alanine 49 with proline.
Molecular consequence: missense variant.
Genome position (GRCh38, 1-based): chr2:96,265,237, C>G on the plus strand (G>C on the coding strand, the complement: TMEM127 is on the minus strand). VCF-style: chr2-96265237-C-G. GRCh37 (hg19) VCF-style: chr2-96930975-C-G.
Other names: c.145G>C, p.Ala49Pro (NM_001193304.3); short protein forms A49P.
Identifiers: ClinVar variation 1773131 (VCV001773131.3), dbSNP rs577020327, ClinGen allele CA347656029.
Genomic context (GRCh38, chr2:96,265,237, plus strand): 5'-AGACCCCCAGCTCCTGGCGCGAACAGGTGCCTCCGTGGATGTGCAACCAGGCGGGCTCGG[C>G]GAGGGCAGTGCACAGCGCCGTGATAGACAGGGCGCCAGGCAGGGCCGAGGCCAGGCTACG-3'
Protein context (NP_060319.1, residues 39-59): LSITALCTAL[Ala49Pro]EPAWLHIHGG